The following is an entry in ClinVar:

NM_000038.6(APC):c.8283A>T (p.Pro2761=)

Gene: APC (APC regulator of Wnt signaling pathway; plus strand). Cytogenetic location: 5q22.2.
Variant type: single nucleotide variant.
Coding change: c.8283A>T on transcript NM_000038.6 (MANE Select); coding-DNA position 8283, A replaced by T.
Protein change: p.Pro2761=; no amino-acid change (proline 2761 retained).
Molecular consequence: synonymous variant.
Genome position (GRCh38, 1-based): chr5:112,843,877, A>T. VCF-style: chr5-112843877-A-T. GRCh37 (hg19) VCF-style: chr5-112179574-A-T.
Other names: c.8283A>T, p.Pro2761= (NM_001127510.3, NM_001354895.2); c.8229A>T, p.Pro2743= (NM_001127511.3); c.8337A>T, p.Pro2779= (NM_001354896.2); c.8313A>T, p.Pro2771= (NM_001354897.2); c.8208A>T, p.Pro2736= (NM_001354898.2); c.8199A>T, p.Pro2733= (NM_001354899.2); c.8160A>T, p.Pro2720= (NM_001354900.2); c.8106A>T, p.Pro2702= (NM_001354901.2); and 6 more.
Identifiers: ClinVar variation 1120471 (VCV001120471.15), dbSNP rs1393043478, ClinGen allele CA446211417.

ClinVar aggregate classification (germline): Benign/Likely benign. Review status: criteria provided, multiple submitters, no conflicts (2 of 4 stars). 4 submissions from 4 submitters: Benign (1); Likely benign (3). Last evaluated 2025-10-06.

Conditions:
Hereditary cancer-predisposing syndrome. Also called: Neoplastic Syndromes, Hereditary; Hereditary Cancer Syndrome; Hereditary neoplastic syndrome; Tumor predisposition. Identifiers: Orphanet 140162, MedGen C0027672, MeSH D009386, MONDO:0015356.
Familial adenomatous polyposis 1 (FAP1). Also called: POLYPOSIS, ADENOMATOUS INTESTINAL; FAMILIAL ADENOMATOUS POLYPOSIS 1, ATTENUATED. Identifiers: MedGen C2713442, MONDO:0021056, OMIM 175100. Disease mechanism: loss of function.

Submissions (4):

Labcorp Genetics (formerly Invitae), Labcorp
Classification: Likely benign for Familial adenomatous polyposis 1. Last evaluated: 2025-10-06. Review status: criteria provided, single submitter. Criteria: Invitae Variant Classification Sherloc (09022015). Collection method: clinical testing. Allele origin: germline.

Myriad Genetics, Inc.
Classification: Benign for Familial adenomatous polyposis 1. Last evaluated: 2024-04-15. Review status: criteria provided, single submitter. Criteria: Myriad Autosomal Dominant, Autosomal Recessive and X-Linked Classification Criteria (2023). Collection method: clinical testing. Allele origin: unknown.
Comment: This variant is considered benign. This variant is a silent/synonymous amino acid change and it is not expected to impact splicing.

Ambry Genetics
Classification: Likely benign for Hereditary cancer-predisposing syndrome. Last evaluated: 2023-02-17. Review status: criteria provided, single submitter. Criteria: Ambry Variant Classification Scheme 2023. Collection method: clinical testing. Allele origin: germline.

Color Diagnostics, LLC DBA Color Health
Classification: Likely benign for Hereditary cancer-predisposing syndrome. Last evaluated: 2021-10-04. Review status: criteria provided, single submitter. Criteria: ACMG Guidelines, 2015. Collection method: clinical testing. Allele origin: germline.